The following is an entry in ClinVar:

ClinVar aggregate classification (germline): Likely benign (1 of 4 stars; one submission).

gnomAD v4.1: 153 of 1,613,468 alleles (0.0095%); highest among the groups gnomAD compares: South Asian, 0.14%; no homozygotes.

Submission:

CeGaT Center for Human Genetics Tuebingen
Classification: Likely benign. Last evaluated: 2026-08-01. Review status: criteria provided, single submitter. Criteria: CeGaT Center For Human Genetics Tuebingen Variant Classification Criteria Version 2. Collection method: clinical testing. Allele origin: germline. Affected: yes. Observed: 1 variant allele.
Comment: ZNF292: BP4, BP7, BS1

NM_015021.3(ZNF292):c.2292C>T (p.Tyr764=)

Gene: ZNF292 (zinc finger protein 292; plus strand). Cytogenetic location: 6q14.3.
Variant type: single nucleotide variant.
Coding change: c.2292C>T on transcript NM_015021.3 (MANE Select); coding-DNA position 2292, C replaced by T.
Protein change: p.Tyr764=; no amino-acid change (tyrosine 764 retained).
Molecular consequence: synonymous variant.
Genome position (GRCh38, 1-based): chr6:87,255,921, C>T. VCF-style: chr6-87255921-C-T. GRCh37 (hg19) VCF-style: chr6-87965639-C-T.
Other names: c.1872C>T, p.Tyr624= (NM_001351444.2).
Identifiers: ClinVar variation 5039469 (VCV005039469.1).